The following is an entry in ClinVar:

ClinVar aggregate classification (germline): Uncertain significance (1 of 4 stars; one submission).

gnomAD v4.1: 2 of 1,608,932 alleles (0.00012%); highest among the groups gnomAD compares: Non-Finnish European, 0.000085%; no homozygotes.

Submission:

Labcorp Genetics (formerly Invitae), Labcorp
Classification: Uncertain significance. Last evaluated: 2024-12-22. Review status: criteria provided, single submitter. Criteria: Invitae Variant Classification Sherloc (09022015). Collection method: clinical testing. Allele origin: germline.
Comment: This sequence change replaces tryptophan, which is neutral and slightly polar, with glycine, which is neutral and non-polar, at codon 1027 of the ATP13A3 protein (p.Trp1027Gly). This variant is present in population databases (no rsID available, gnomAD 0.0009%). This variant has not been reported in the literature in individuals affected with ATP13A3-related conditions. Invitae Evidence Modeling of protein sequence and biophysical properties (such as structural, functional, and spatial information, amino acid conservation, physicochemical variation, residue mobility, and thermodynamic stability) indicates that this missense variant is not expected to disrupt ATP13A3 protein function with a negative predictive value of 80%. In summary, the available evidence is currently insufficient to determine the role of this variant in disease. Therefore, it has been classified as a Variant of Uncertain Significance.

NM_001367549.1(ATP13A3):c.3079T>G (p.Trp1027Gly)

Gene: ATP13A3 (ATPase 13A3; minus strand). Cytogenetic location: 3q29.
Variant type: single nucleotide variant.
Coding change: c.3079T>G on transcript NM_001367549.1 (MANE Select); coding-DNA position 3079, T replaced by G.
Protein change: p.Trp1027Gly; replaces tryptophan 1027 with glycine.
Molecular consequence: missense variant. On other transcripts: non-coding transcript variant (2).
Genome position (GRCh38, 1-based): chr3:194,427,121, A>C on the plus strand (T>G on the coding strand, the complement: ATP13A3 is on the minus strand). VCF-style: chr3-194427121-A-C. GRCh37 (hg19) VCF-style: chr3-194147850-A-C.
Other names: c.2998T>G, p.Trp1000Gly (NM_001374836.1); c.3079T>G, p.Trp1027Gly (NM_024524.4); short protein forms W1027G, W1000G.
Identifiers: ClinVar variation 3636086 (VCV003636086.2).